The following is an entry in ClinVar:

NM_173495.3(PTCHD1):c.2591A>T (p.Asn864Ile)

Gene: PTCHD1 (patched domain containing 1; plus strand). Cytogenetic location: Xp22.11.
Variant type: single nucleotide variant.
Coding change: c.2591A>T on transcript NM_173495.3 (MANE Select); coding-DNA position 2591, A replaced by T.
Protein change: p.Asn864Ile; replaces asparagine 864 with isoleucine.
Molecular consequence: missense variant.
Genome position (GRCh38, 1-based): chrX:23,394,109, A>T. VCF-style: chrX-23394109-A-T. GRCh37 (hg19) VCF-style: chrX-23412226-A-T.
Other names: short protein forms N864I.
Identifiers: ClinVar variation 1693440 (VCV001693440.2), dbSNP rs2146653168, ClinGen allele CA412588901.

ClinVar aggregate classification (germline): Uncertain significance (1 of 4 stars; one submission).

Submission:

GeneDx
Classification: Uncertain significance. Last evaluated: 2022-01-03. Review status: criteria provided, single submitter. Criteria: GeneDx Variant Classification Process June 2021. Collection method: clinical testing. Allele origin: germline. Affected: yes.
Comment: Not observed at significant frequency in large population cohorts (gnomAD); In silico analysis supports that this missense variant does not alter protein structure/function; Has not been previously published as pathogenic or benign to our knowledge